The following is an entry in ClinVar:

NM_006231.4(POLE):c.1925C>G (p.Pro642Arg)

Gene: POLE (DNA polymerase epsilon, catalytic subunit; minus strand). Cytogenetic location: 12q24.33.
Variant type: single nucleotide variant.
Coding change: c.1925C>G on transcript NM_006231.4 (MANE Select); coding-DNA position 1925, C replaced by G.
Protein change: p.Pro642Arg; replaces proline 642 with arginine.
Molecular consequence: missense variant.
Genome position (GRCh38, 1-based): chr12:132,668,736, G>C on the plus strand (C>G on the coding strand, the complement: POLE is on the minus strand). VCF-style: chr12-132668736-G-C. GRCh37 (hg19) VCF-style: chr12-133245322-G-C.
Other names: short protein forms P642R.
Identifiers: ClinVar variation 1782753 (VCV001782753.3), dbSNP rs2542102586, ClinGen allele CA387355250.
Genomic context (GRCh38, chr12:132,668,736, plus strand): 5'-TTTGCTCCAGGCTTATTGAAGTCACAGGCAGCACAGGTGGCTTCGTCCACCATGGCAGAG[G>C]GCTGGGAGGGGTGAGAAAGCACTTAGGGCTGGGCAGAGAGAGCTCCGACTCTGACACGGG-3'
Protein context (NP_006222.2, residues 632-652): PNIILTNRLQ[Pro642Arg]SAMVDEATCA

ClinVar aggregate classification (germline): Uncertain significance (1 of 4 stars; one submission).

Conditions:
Hereditary cancer-predisposing syndrome. Also called: Neoplastic Syndromes, Hereditary; Tumor predisposition; Hereditary Cancer Syndrome; Hereditary neoplastic syndrome. Identifiers: Orphanet 140162, MedGen C0027672, MeSH D009386, MONDO:0015356.

Submission:

Ambry Genetics
Classification: Uncertain significance for Hereditary cancer-predisposing syndrome. Last evaluated: 2025-08-02. Review status: criteria provided, single submitter. Criteria: Ambry Variant Classification Scheme 2023. Collection method: clinical testing. Allele origin: germline.
Comment: The p.P642R variant (also known as c.1925C>G), located in coding exon 18 of the POLE gene, results from a C to G substitution at nucleotide position 1925. The proline at codon 642 is replaced by arginine, an amino acid with dissimilar properties. This amino acid position is conserved. In addition, this alteration is predicted to be deleterious by in silico analysis. Since supporting evidence is limited at this time, the clinical significance of this alteration remains unclear.